The following is an entry in ClinVar:

ClinVar aggregate classification (germline): Uncertain significance. Review status: criteria provided, multiple submitters, no conflicts (2 of 4 stars). 2 submissions from 2 submitters: Uncertain significance (2). Last evaluated 2024-11-13.

Conditions:
Inborn genetic diseases. Identifiers: MedGen C0950123, MeSH D030342.

Submissions (2):

Ambry Genetics
Classification: Uncertain significance for Inborn genetic diseases. Last evaluated: 2024-11-13. Review status: criteria provided, single submitter. Criteria: Ambry Variant Classification Scheme 2023. Collection method: clinical testing. Allele origin: germline.
Comment: The c.1323G>A (p.M441I) alteration is located in exon 1 (coding exon 1) of the IRF2BPL gene. This alteration results from a G to A substitution at nucleotide position 1323, causing the methionine (M) at amino acid position 441 to be replaced by an isoleucine (I). This variant was not reported in population-based cohorts in the Genome Aggregation Database (gnomAD). This amino acid position is highly conserved in available vertebrate species. The in silico prediction for this alteration is inconclusive. Based on insufficient or conflicting evidence, the clinical significance of this alteration remains unclear.

GeneDx
Classification: Uncertain significance. Last evaluated: 2024-09-27. Review status: criteria provided, single submitter. Criteria: GeneDx Variant Classification Process June 2021. Collection method: clinical testing. Allele origin: germline. Affected: yes.
Comment: Not observed at significant frequency in large population cohorts (gnomAD); In silico analysis supports that this missense variant does not alter protein structure/function; Has not been previously published as pathogenic or benign to our knowledge

NM_024496.4(IRF2BPL):c.1323G>A (p.Met441Ile)

Gene: IRF2BPL (interferon regulatory factor 2 binding protein like; minus strand). Cytogenetic location: 14q24.3.
Variant type: single nucleotide variant.
Coding change: c.1323G>A on transcript NM_024496.4 (MANE Select); coding-DNA position 1323, G replaced by A.
Protein change: p.Met441Ile; replaces methionine 441 with isoleucine.
Molecular consequence: missense variant.
Genome position (GRCh38, 1-based): chr14:77,026,470, C>T on the plus strand (G>A on the coding strand, the complement: IRF2BPL is on the minus strand). VCF-style: chr14-77026470-C-T. GRCh37 (hg19) VCF-style: chr14-77492813-C-T.
Other names: c.1323G>A (NM_024496.3); short protein forms M441I.
Identifiers: ClinVar variation 3530012 (VCV003530012.2).
Genomic context (GRCh38, chr14:77,026,470, plus strand): 5'-CTCCAGGTACTTGAAACCCGAGGATAGGCCCCGGCCGAAGTCCTTCATGCAGTCCTGATA[C>T]ATCTGCTTGGCCACACCAGATGCACTGGAGTACACGTTGCCCGAGCCCGTGGGGTACTCA-3'
Protein context (NP_078772.1, residues 431-451): YSSASGVAKQ[Met441Ile]YQDCMKDFGR